The following is an entry in ClinVar:

NM_002529.4(NTRK1):c.429-1G>A

Gene: NTRK1 (neurotrophic receptor tyrosine kinase 1; plus strand). Cytogenetic location: 1q23.1.
Variant type: single nucleotide variant.
Coding change: c.429-1G>A on transcript NM_002529.4 (MANE Select); the canonical splice acceptor site of the intron before coding-DNA position 429, G replaced by A.
Molecular consequence: splice acceptor variant.
Genome position (GRCh38, 1-based): chr1:156,868,103, G>A. VCF-style: chr1-156868103-G-A. GRCh37 (hg19) VCF-style: chr1-156837895-G-A.
Other names: c.339-1G>A (NM_001007792.1); c.429-1G>A (NM_001012331.2).
Identifiers: ClinVar variation 1302927 (VCV001302927.7), dbSNP rs748672380, ClinGen allele CA1168978.

ClinVar aggregate classification (germline): Pathogenic/Likely pathogenic. Review status: criteria provided, multiple submitters, no conflicts (2 of 4 stars). 3 submissions from 3 submitters: Pathogenic (1); Likely pathogenic (2). Last evaluated 2023-04-11.

Conditions:
Hereditary insensitivity to pain with anhidrosis (CIPA). Also called: FAMILIAL DYSAUTONOMIA, TYPE II; INSENSITIVITY TO PAIN, CONGENITAL, WITH ANHIDROSIS; HSAN Type IV; NTRK1 Congenital Insensitivity to Pain with Anhidrosis; NEUROPATHY, CONGENITAL SENSORY, WITH ANHIDROSIS; hereditary sensory and autonomic neuropathy type 4. Identifiers: Orphanet 642, MedGen C0020074, MONDO:0009746, OMIM 256800.

Allele frequency attached by ClinVar (database versions not stated): gnomAD exomes below 0.00001; ExAC 0.00001.
gnomAD v4.1: 1 of 1,613,830 alleles (0.000062%); highest among the groups gnomAD compares: South Asian, 0.0011%; no homozygotes.

Submissions (3):

Genome-Nilou Lab
Classification: Likely pathogenic for Hereditary insensitivity to pain with anhidrosis. Last evaluated: 2023-04-11. Review status: criteria provided, single submitter. Criteria: ACMG Guidelines, 2015. Collection method: clinical testing. Allele origin: germline. Affected: no.

Labcorp Genetics (formerly Invitae), Labcorp
Classification: Likely pathogenic for Hereditary insensitivity to pain with anhidrosis. Last evaluated: 2022-05-05. Review status: criteria provided, single submitter. Criteria: Invitae Variant Classification Sherloc (09022015). Collection method: clinical testing. Allele origin: germline.
Comment: This sequence change affects an acceptor splice site in intron 4 of the NTRK1 gene. It is expected to disrupt RNA splicing. Variants that disrupt the donor or acceptor splice site typically lead to a loss of protein function (PMID: 16199547), and loss-of-function variants in NTRK1 are known to be pathogenic (PMID: 10982191). This variant is present in population databases (rs748672380, gnomAD 0.003%). In summary, the currently available evidence indicates that the variant is pathogenic, but additional data are needed to prove that conclusively. Therefore, this variant has been classified as Likely Pathogenic. Algorithms developed to predict the effect of sequence changes on RNA splicing suggest that this variant may disrupt the consensus splice site. ClinVar contains an entry for this variant (Variation ID: 1302927). Disruption of this splice site has been observed in individual(s) with congenital insensitivity to pain with anhidrosis (PMID: 10330344).

GeneDx
Classification: Pathogenic. Last evaluated: 2021-09-15. Review status: criteria provided, single submitter. Criteria: GeneDx Variant Classification Process June 2021. Collection method: clinical testing. Allele origin: germline. Affected: yes.
Comment: Has not been previously published as pathogenic or benign to our knowledge; Canonical splice site variant predicted to result in a null allele in a gene for which loss-of-function is a known mechanism of disease; Not observed at significant frequency in large population cohorts (Lek et al., 2016)

Literature cited by the submitters: PubMed 16199547 (cited by Labcorp Genetics (formerly Invitae), Labcorp); PubMed 10982191 (cited by Labcorp Genetics (formerly Invitae), Labcorp); PubMed 10330344 (cited by Labcorp Genetics (formerly Invitae), Labcorp).